The following is an entry in ClinVar:

ClinVar aggregate classification (germline): Likely benign (1 of 4 stars; one submission).

Allele frequency attached by ClinVar (database versions not stated): 1000 Genomes Project 0.00020; ExAC 0.00003; gnomAD 0.00008; TOPMed 0.00009; 1000 Genomes Project 30x 0.00016.
gnomAD v4.1: 71 of 1,614,058 alleles (0.0044%); highest among the groups gnomAD compares: Admixed American, 0.043%; no homozygotes.

Submission:

CeGaT Center for Human Genetics Tuebingen
Classification: Likely benign. Last evaluated: 2022-11-01. Review status: criteria provided, single submitter. Criteria: CeGaT Center For Human Genetics Tuebingen Variant Classification Criteria Version 2. Collection method: clinical testing. Allele origin: germline. Affected: yes. Observed: 1 variant allele.
Comment: TBC1D2B: BP4, BP7

NM_144572.2(TBC1D2B):c.1890A>G (p.Glu630=)

Gene: TBC1D2B (TBC1 domain family member 2B; minus strand). Cytogenetic location: 15q25.1.
Variant type: single nucleotide variant.
Coding change: c.1890A>G on transcript NM_144572.2 (MANE Select); coding-DNA position 1890, A replaced by G.
Protein change: p.Glu630=; no amino-acid change (glutamic acid 630 retained).
Molecular consequence: synonymous variant.
Genome position (GRCh38, 1-based): chr15:78,013,203, T>C on the plus strand (A>G on the coding strand, the complement: TBC1D2B is on the minus strand). VCF-style: chr15-78013203-T-C. GRCh37 (hg19) VCF-style: chr15-78305545-T-C.
Other names: c.1890A>G, p.Glu630= (NM_001387142.1, NM_001387144.1, NM_015079.6); c.1887A>G, p.Glu629= (NM_001387143.1); c.1554A>G, p.Glu518= (NM_001387145.1, NM_001387146.1, NM_001387147.1 and 1 more transcripts); c.1440A>G, p.Glu480= (NM_001387149.1).
Identifiers: ClinVar variation 2645603 (VCV002645603.24), dbSNP rs552433664, ClinGen allele CA7679340.